The following is an entry in ClinVar:

ClinVar aggregate classification (germline): Uncertain significance. Review status: criteria provided, multiple submitters, no conflicts (2 of 4 stars). 4 submissions from 4 submitters: Uncertain significance (3). 1 of the submissions does not count toward it. Last evaluated 2025-11-24.

Conditions:
Hereditary cancer-predisposing syndrome. Also called: Hereditary Cancer Syndrome; Hereditary neoplastic syndrome; Tumor predisposition; Neoplastic Syndromes, Hereditary. Identifiers: Orphanet 140162, MedGen C0027672, MeSH D009386, MONDO:0015356.
Cardiovascular phenotype. Identifiers: MedGen CN230736.
LZTR1-related disorder. Also called: LZTR1-related disorders; LZTR1-related condition.
Noonan syndrome 10 (NS10). Identifiers: Orphanet 648, MedGen C4225280, MONDO:0014693, OMIM 616564.

Allele frequency attached by ClinVar (database versions not stated): TOPMed below 0.00001.

Submissions (4):

Ambry Genetics
Classification: Uncertain significance for Cardiovascular phenotype; Hereditary cancer-predisposing syndrome. Last evaluated: 2025-11-24. Review status: criteria provided, single submitter. Criteria: Ambry Variant Classification Scheme 2023. Collection method: clinical testing. Allele origin: germline.
Comment: The p.D781E variant (also known as c.2343C>A), located in coding exon 20 of the LZTR1 gene, results from a C to A substitution at nucleotide position 2343. The aspartic acid at codon 781 is replaced by glutamic acid, an amino acid with highly similar properties. This amino acid position is highly conserved in available vertebrate species. In addition, the in silico prediction for this alteration is inconclusive. Since supporting evidence is limited at this time, the clinical significance of this alteration remains unclear.

Labcorp Genetics (formerly Invitae), Labcorp
Classification: Uncertain significance. Last evaluated: 2025-07-27. Review status: criteria provided, single submitter. Criteria: Invitae Variant Classification Sherloc (09022015). Collection method: clinical testing. Allele origin: germline.
Comment: This sequence change replaces aspartic acid, which is acidic and polar, with glutamic acid, which is acidic and polar, at codon 781 of the LZTR1 protein (p.Asp781Glu). This variant is present in population databases (no rsID available, gnomAD 0.007%). This variant has not been reported in the literature in individuals affected with LZTR1-related conditions. ClinVar contains an entry for this variant (Variation ID: 1789896). Invitae Evidence Modeling of protein sequence and biophysical properties (such as structural, functional, and spatial information, amino acid conservation, physicochemical variation, residue mobility, and thermodynamic stability) indicates that this missense variant is not expected to disrupt LZTR1 protein function with a negative predictive value of 80%. In summary, the available evidence is currently insufficient to determine the role of this variant in disease. Therefore, it has been classified as a Variant of Uncertain Significance.

Clinical Genomics Laboratory, Washington University in St. Louis
Classification: Uncertain significance for Noonan syndrome 10. Last evaluated: 2025-01-24. Review status: criteria provided, single submitter. Criteria: ACMG Guidelines, 2015. Collection method: clinical testing. Allele origin: germline.
Comment: The LZTR1 c.2343C>A (p.Asp781Glu) variant, to our knowledge, has not been reported in the medical literature. This variant is only observed on 1/31,338 alleles in the general population (gnomAD v.2.1.1), indicating it is not a common variant. Computational predictors are uncertain as to the impact of this variant on LZTR1 function. This variant does not reside within any of the Kelch domains of LZTR1 where other clinically significant variants reside. This variant has been reported in the ClinVar database as a germline variant of uncertain significance by two submitters. Due to limited information, and based on ACMG/AMP guidelines for variant interpretation (Richards S et al., PMID: 25741868), the clinical significance of this variant is uncertain at this time.

PreventionGenetics, part of Exact Sciences
Classification: Uncertain significance for LZTR1-related condition. Last evaluated: 2024-05-06. Review status: no assertion criteria provided. Collection method: clinical testing. Allele origin: germline. Not counted in ClinVar's aggregate classification.
Comment: The LZTR1 c.2343C>A variant is predicted to result in the amino acid substitution p.Asp781Glu. To our knowledge, this variant has not been reported in the literature. This variant is reported in 0.0065% of alleles in individuals of European (Non-Finnish) descent in gnomAD. At this time, the clinical significance of this variant is uncertain due to the absence of conclusive functional and genetic evidence.

NM_006767.4(LZTR1):c.2343C>A (p.Asp781Glu)

Gene: LZTR1 (leucine zipper like post translational regulator 1; plus strand). Cytogenetic location: 22q11.21.
Variant type: single nucleotide variant.
Coding change: c.2343C>A on transcript NM_006767.4 (MANE Select); coding-DNA position 2343, C replaced by A.
Protein change: p.Asp781Glu; replaces aspartic acid 781 with glutamic acid.
Molecular consequence: missense variant.
Genome position (GRCh38, 1-based): chr22:20,996,903, C>A. VCF-style: chr22-20996903-C-A. GRCh37 (hg19) VCF-style: chr22-21351192-C-A.
Other names: short protein forms D781E.
Identifiers: ClinVar variation 1789896 (VCV001789896.7), dbSNP rs763193690, ClinGen allele CA410780997.